The following is an entry in ClinVar:

NM_000179.3(MSH6):c.159_171del (p.Gly56fs)

Gene: MSH6 (mutS homolog 6; plus strand). Cytogenetic location: 2p16.3.
Variant type: Deletion.
Coding change: c.159_171del on transcript NM_000179.3 (MANE Select); coding-DNA positions 159 to 171, 13 bases deleted (TGGGCCTGGGCCC).
Protein change: p.Gly56fs; shifts the reading frame from glycine 56.
Molecular consequence: frameshift variant. On other transcripts: 5 prime UTR variant (1).
Genome position (GRCh38, 1-based): chr2:47,783,392-47,783,404, TGGGCCTGGGCCC deleted; deleting any 13 consecutive bases within chr2:47,783,391-47,783,404 gives the same sequence; the c. name uses the placement nearest the transcript's 3' end. VCF-style (leftmost placement, unchanged base first): chr2-47783390-GCTGGGCCTGGGCC-G. GRCh37 (hg19) VCF-style: chr2-48010529-GCTGGGCCTGGGCC-G.
Other names: c.159_171del, p.Gly56fs (NM_001281492.2); c.-578_-566del (NM_001281493.2); c.159_171delTGGGCCTGGGCCC, p.Gly56Trpfs (NM_001406795.1, NM_001406796.1, NM_001406798.1 and 8 more transcripts); c.-170_-158delTGGGCCTGGGCCC (NM_001406799.1); c.104_116delTGGGCCTGGGCCC, p.Leu35Glnfs (NM_001406804.1); c.-770_-758delTGGGCCTGGGCCC (NM_001406807.1); c.-578_-566delTGGGCCTGGGCCC (NM_001406811.1); c.-425_-413delTGGGCCTGGGCCC (NM_001406812.1); and 3 more; short protein forms G56fs.
Identifiers: ClinVar variation 1775900 (VCV001775900.3), dbSNP rs2530319597, ClinGen allele CA2580067065.

ClinVar aggregate classification (germline): Pathogenic. Review status: criteria provided, multiple submitters, no conflicts (2 of 4 stars). 2 submissions from 2 submitters: Pathogenic (2). Last evaluated 2023-08-09.

Conditions:
Hereditary cancer-predisposing syndrome. Also called: Neoplastic Syndromes, Hereditary; Tumor predisposition; Hereditary Cancer Syndrome; Hereditary neoplastic syndrome. Identifiers: Orphanet 140162, MedGen C0027672, MeSH D009386, MONDO:0015356.
Lynch syndrome 5 (LYNCH5). Also called: Colorectal cancer, hereditary nonpolyposis, type 5; Hereditary non-polyposis colorectal cancer, type 5. Identifiers: Orphanet 144, MedGen C1833477, MONDO:0013710, OMIM 614350. Disease mechanism: loss of function.

Submissions (2):

Myriad Genetics, Inc.
Classification: Pathogenic for Lynch syndrome 5. Last evaluated: 2023-08-09. Review status: criteria provided, single submitter. Criteria: Myriad Autosomal Dominant, Autosomal Recessive and X-Linked Classification Criteria (2023). Collection method: clinical testing. Allele origin: unknown.
Comment: This variant is considered pathogenic. This variant creates a frameshift predicted to result in premature protein truncation.

Ambry Genetics
Classification: Pathogenic for Hereditary cancer-predisposing syndrome. Last evaluated: 2020-04-27. Review status: criteria provided, single submitter. Criteria: Ambry Variant Classification Scheme 2023. Collection method: clinical testing. Allele origin: germline.
Comment: The c.159_171del13 variant, located in coding exon 1 of the MSH6 gene, results from a deletion of 13 nucleotides at nucleotide positions 159 to 171, causing a translational frameshift with a predicted alternate stop codon (p.G56Wfs*21). This alteration is expected to result in loss of function by premature protein truncation or nonsense-mediated mRNA decay. As such, this alteration is interpreted as a disease-causing mutation.